The following is an entry in ClinVar:

ClinVar aggregate classification (germline): Uncertain significance. Review status: criteria provided, multiple submitters, no conflicts (2 of 4 stars). 3 submissions from 3 submitters: Uncertain significance (3). Last evaluated 2024-10-29.

Conditions:
Hereditary cancer-predisposing syndrome. Also called: Hereditary neoplastic syndrome; Tumor predisposition; Neoplastic Syndromes, Hereditary; Hereditary Cancer Syndrome. Identifiers: Orphanet 140162, MedGen C0027672, MeSH D009386, MONDO:0015356.
Oligodontia-cancer predisposition syndrome. Also called: TOOTH AGENESIS-COLORECTAL CANCER SYNDROME. Identifiers: Orphanet 300576, MedGen C1837750, MONDO:0012075, OMIM 608615. Disease mechanism: loss of function.

Allele frequency attached by ClinVar (database versions not stated): gnomAD exomes 0.00001; 1000 Genomes Project 30x 0.00016; 1000 Genomes Project 0.00020; TOPMed below 0.00001; ExAC 0.00001; gnomAD 0.00001.
gnomAD v4.1: 8 of 1,614,004 alleles (0.0005%); highest among the groups gnomAD compares: Non-Finnish European, 0.00068%; no homozygotes.

Submissions (3):

Labcorp Genetics (formerly Invitae), Labcorp
Classification: Uncertain significance for Oligodontia-cancer predisposition syndrome. Last evaluated: 2024-10-29. Review status: criteria provided, single submitter. Criteria: Invitae Variant Classification Sherloc (09022015). Collection method: clinical testing. Allele origin: germline.
Comment: This sequence change replaces proline, which is neutral and non-polar, with leucine, which is neutral and non-polar, at codon 324 of the AXIN2 protein (p.Pro324Leu). This variant is present in population databases (rs202108391, gnomAD 0.002%). This variant has not been reported in the literature in individuals affected with AXIN2-related conditions. ClinVar contains an entry for this variant (Variation ID: 570059). Invitae Evidence Modeling of protein sequence and biophysical properties (such as structural, functional, and spatial information, amino acid conservation, physicochemical variation, residue mobility, and thermodynamic stability) has been performed for this missense variant. However, the output from this modeling did not meet the statistical confidence thresholds required to predict the impact of this variant on AXIN2 protein function. In summary, the available evidence is currently insufficient to determine the role of this variant in disease. Therefore, it has been classified as a Variant of Uncertain Significance.

Ambry Genetics
Classification: Uncertain significance for Hereditary cancer-predisposing syndrome. Last evaluated: 2024-10-11. Review status: criteria provided, single submitter. Criteria: Ambry Variant Classification Scheme 2023. Collection method: clinical testing. Allele origin: germline.
Comment: The p.P324L variant (also known as c.971C>T), located in coding exon 3 of the AXIN2 gene, results from a C to T substitution at nucleotide position 971. The proline at codon 324 is replaced by leucine, an amino acid with similar properties. This amino acid position is highly conserved in available vertebrate species. In addition, this alteration is predicted to be deleterious by in silico analysis. Since supporting evidence is limited at this time, the clinical significance of this alteration remains unclear.

Quest Diagnostics Nichols Institute San Juan Capistrano
Classification: Uncertain significance. Last evaluated: 2023-02-02. Review status: criteria provided, single submitter. Criteria: Quest Diagnostics criteria. Collection method: clinical testing. Allele origin: unknown.
Comment: To the best of our knowledge, the variant has not been reported in the published literature. The frequency of this variant in the general population, 0.000008 (2/251486 chromosomes), is uninformative in assessment of its pathogenicity. Analysis of this variant using bioinformatics tools for the prediction of the effect of amino acid changes on protein structure and function yielded predictions that this variant is damaging. Based on the available information, we are unable to determine the clinical significance of this variant.

NM_004655.4(AXIN2):c.971C>T (p.Pro324Leu)

Gene: AXIN2 (axin 2; minus strand). Cytogenetic location: 17q24.1.
Variant type: single nucleotide variant.
Coding change: c.971C>T on transcript NM_004655.4 (MANE Select); coding-DNA position 971, C replaced by T.
Protein change: p.Pro324Leu; replaces proline 324 with leucine.
Molecular consequence: missense variant.
Genome position (GRCh38, 1-based): chr17:65,541,543, G>A on the plus strand (C>T on the coding strand, the complement: AXIN2 is on the minus strand). VCF-style: chr17-65541543-G-A. GRCh37 (hg19) VCF-style: chr17-63537661-G-A.
Other names: c.971C>T, p.Pro324Leu (NM_001363813.1); c.971C>T (LRG_296t1); short protein forms P324L.
Identifiers: ClinVar variation 570059 (VCV000570059.12), dbSNP rs202108391, ClinGen allele CA8718913.